The following is an entry in ClinVar:

NM_000138.5(FBN1):c.6129del (p.Ser2045fs)

Gene: FBN1 (fibrillin 1; minus strand). Cytogenetic location: 15q21.1.
Variant type: Deletion.
Coding change: c.6129del on transcript NM_000138.5 (MANE Select); coding-DNA position 6129, one base deleted (G; older notation c.6129delG).
Protein change: p.Ser2045fs; shifts the reading frame from serine 2045.
Molecular consequence: frameshift variant.
Genome position (GRCh38, 1-based): chr15:48,441,755, C deleted on the plus strand (G on the coding strand, the reverse complement: FBN1 is on the minus strand); the first of 3 consecutive C bases (chr15:48,441,755-48,441,757); deleting any one gives the same sequence. VCF-style (leftmost placement, unchanged base first): chr15-48441754-AC-A. GRCh37 (hg19) VCF-style: chr15-48733951-AC-A.
Other names: c.6129delG (NM_000138.4); short protein forms S2045fs.
Identifiers: ClinVar variation 200166 (VCV000200166.5), dbSNP rs794728314, ClinGen allele CA016254.

ClinVar aggregate classification (germline): Pathogenic (1 of 4 stars; one submission).

Submission:

GeneDx
Classification: Pathogenic. Last evaluated: 2024-07-22. Review status: criteria provided, single submitter. Criteria: GeneDx Variant Classification Process June 2021. Collection method: clinical testing. Allele origin: germline. Affected: yes.
Comment: Has not been previously published as pathogenic or benign to our knowledge; Not observed at significant frequency in large population cohorts (gnomAD); Frameshift variant predicted to result in protein truncation or nonsense mediated decay in a gene for which loss-of-function is a known mechanism of disease